The following is an entry in ClinVar:

NM_177438.3(DICER1):c.3125C>T (p.Pro1042Leu)

Gene: DICER1 (dicer 1, ribonuclease III; minus strand). Cytogenetic location: 14q32.13.
Variant type: single nucleotide variant.
Coding change: c.3125C>T on transcript NM_177438.3 (MANE Select); coding-DNA position 3125, C replaced by T.
Protein change: p.Pro1042Leu; replaces proline 1042 with leucine.
Molecular consequence: missense variant.
Genome position (GRCh38, 1-based): chr14:95,105,215, G>A on the plus strand (C>T on the coding strand, the complement: DICER1 is on the minus strand). VCF-style: chr14-95105215-G-A. GRCh37 (hg19) VCF-style: chr14-95571552-G-A.
Other names: c.3125C>T, p.Pro1042Leu (NM_001195573.1, NM_001271282.3, NM_001291628.2 and 1 more transcripts); short protein forms P1042L.
Identifiers: ClinVar variation 822955 (VCV000822955.4), dbSNP rs1595371223, ClinGen allele CA390876853.

ClinVar aggregate classification (germline): Uncertain significance (1 of 4 stars; one submission).

Conditions:
Hereditary cancer-predisposing syndrome. Also called: Tumor predisposition; Hereditary Cancer Syndrome; Neoplastic Syndromes, Hereditary; Hereditary neoplastic syndrome. Identifiers: Orphanet 140162, MedGen C0027672, MeSH D009386, MONDO:0015356.

Allele frequency attached by ClinVar (database versions not stated): gnomAD exomes below 0.00001.
gnomAD v4.1: 4 of 1,613,928 alleles (0.00025%); highest among the groups gnomAD compares: Non-Finnish European, 0.00034%; no homozygotes.

Submission:

Ambry Genetics
Classification: Uncertain significance for Hereditary cancer-predisposing syndrome. Last evaluated: 2018-08-31. Review status: criteria provided, single submitter. Criteria: Ambry Variant Classification Scheme 2023. Collection method: clinical testing. Allele origin: germline.
Comment: The p.P1042L variant (also known as c.3125C>T), located in coding exon 19 of the DICER1 gene, results from a C to T substitution at nucleotide position 3125. The proline at codon 1042 is replaced by leucine, an amino acid with similar properties. This amino acid position is highly conserved in available vertebrate species. In addition, the in silico prediction for this alteration is inconclusive. Since supporting evidence is limited at this time, the clinical significance of this alteration remains unclear.